The following is an entry in ClinVar:

ClinVar aggregate classification (germline): Pathogenic (1 of 4 stars; one submission).

Conditions:
Coffin-Lowry syndrome (CLS). Also called: COFFIN-LOWRY SYNDROME, MILD; Mental retardation with osteocartilaginous abnormalities. Identifiers: Orphanet 192, MedGen C0265252, MONDO:0010561, OMIM 303600.
Intellectual developmental disorder, X-linked 19. Also called: Intellectual disability, X-linked 19. Identifiers: Orphanet 777, MedGen C0796225, MONDO:0010447, OMIM 300844.

Submission:

Labcorp Genetics (formerly Invitae), Labcorp
Classification: Pathogenic for Coffin-Lowry syndrome; Intellectual developmental disorder, X-linked 19. Last evaluated: 2024-02-23. Review status: criteria provided, single submitter. Criteria: Invitae Variant Classification Sherloc (09022015). Collection method: clinical testing. Allele origin: germline.
Comment: This sequence change creates a premature translational stop signal (p.Thr669Leufs*21) in the RPS6KA3 gene. While this is not anticipated to result in nonsense mediated decay, it is expected to disrupt the last 72 amino acid(s) of the RPS6KA3 protein. This variant is not present in population databases (gnomAD no frequency). This premature translational stop signal has been observed in individual(s) with Coffin-Lowry syndrome (PMID: 11180593). This variant is also known as 2005–2009delACTG. This variant disrupts a region of the RPS6KA3 protein in which other variant(s) (p.Arg729Trp) have been determined to be pathogenic (PMID: 10094187, 16879200). This suggests that this is a clinically significant region of the protein, and that variants that disrupt it are likely to be disease-causing. For these reasons, this variant has been classified as Pathogenic.

Literature cited by the submitters: PubMed 11180593; PubMed 10094187; PubMed 16879200.

NM_004586.3(RPS6KA3):c.2005_2008del (p.Thr669fs)

Gene: RPS6KA3 (ribosomal protein S6 kinase A3; minus strand). Cytogenetic location: Xp22.12.
Variant type: Microsatellite.
Coding change: c.2005_2008del on transcript NM_004586.3 (MANE Select); coding-DNA positions 2005 to 2008, 4 bases deleted (ACTG; older notation c.2005_2008delACTG).
Protein change: p.Thr669fs; shifts the reading frame from threonine 669.
Molecular consequence: frameshift variant.
Genome position (GRCh38, 1-based): chrX:20,156,201-20,156,204, CAGT deleted on the plus strand (ACTG on the coding strand, the reverse complement: RPS6KA3 is on the minus strand); deleting any 4 consecutive bases within chrX:20,156,201-20,156,209 gives the same sequence; the c. name uses the placement nearest the transcript's 3' end. VCF-style (leftmost placement, unchanged base first): chrX-20156200-GCAGT-G. GRCh37 (hg19) VCF-style: chrX-20174318-GCAGT-G.
Other names: short protein forms T669fs.
Identifiers: ClinVar variation 2138486 (VCV002138486.4), dbSNP rs2519573317, ClinGen allele CA2580615403.